The following is an entry in ClinVar:

NM_002474.3(MYH11):c.4515C>G (p.Thr1505=)

Genes: MYH11 (myosin heavy chain 11; minus strand), NDE1 (nudE neurodevelopment protein 1; plus strand). Cytogenetic location: 16p13.11.
Variant type: single nucleotide variant.
Coding change: c.4515C>G on transcript NM_002474.3 (MANE Select); coding-DNA position 4515, C replaced by G.
Protein change: p.Thr1505=; no amino-acid change (threonine 1505 retained).
Molecular consequence: synonymous variant. On other transcripts: intron variant (2).
Genome position (GRCh38, 1-based): chr16:15,721,485, G>C on the plus strand (C>G on the coding strand, the complement: MYH11 is on the minus strand). VCF-style: chr16-15721485-G-C. GRCh37 (hg19) VCF-style: chr16-15815342-G-C.
Other names: c.4536C>G, p.Thr1512= (NM_001040113.2, NM_001040114.2); c.4515C>G, p.Thr1505= (NM_022844.3); c.948-2706G>C (NM_001143979.2, NM_017668.3).
Identifiers: ClinVar variation 696920 (VCV000696920.17), dbSNP rs140395834, ClinGen allele CA7921652.
Genomic context (GRCh38, chr16:15,721,485, plus strand): 5'-CTTGCCCACGTCATCCTTGGAGCTGACCAGGTCTTCCATTTCGGCTTTGAGCATTTTGTT[G>C]GTCCGCTCGAGTTCCTCTTTGGCTTCCAAGGCCTCTTCAAGGGCCCGAGCCAGGGACAGG-3'
Protein context (NP_002465.1, residues 1495-1515): ALEAKEELER[Thr1505=]NKMLKAEMED

ClinVar aggregate classification (germline): Likely benign. Review status: criteria provided, multiple submitters, no conflicts (2 of 4 stars). 6 submissions from 6 submitters: Likely benign (6). Last evaluated 2024-12-06.

Conditions:
Aortic aneurysm, familial thoracic 4 (AAT4). Also called: AORTIC ANEURYSM/AORTIC DISSECTION AND PATENT DUCTUS ARTERIOSUS. Identifiers: MedGen C1851504, MONDO:0007568, OMIM 132900.
Familial thoracic aortic aneurysm and aortic dissection (TAAD). Also called: Thoracic aortic aneurysms and dissections. Identifiers: Orphanet 91387, MedGen C4707243, MONDO:0019625.

Allele frequency attached by ClinVar (database versions not stated): gnomAD 0.00001; gnomAD exomes 0.00001; ExAC 0.00002; TOPMed 0.00002; ESP Exome Variant Server 0.00015.
gnomAD v4.1: 20 of 1,614,032 alleles (0.0012%); highest among the groups gnomAD compares: Non-Finnish European, 0.0016%; no homozygotes.

Submissions (6):

Women's Health and Genetics/Laboratory Corporation of America, LabCorp
Classification: Likely benign. Last evaluated: 2024-12-06. Review status: criteria provided, single submitter. Criteria: LabCorp Variant Classification Summary - May 2015. Collection method: clinical testing. Allele origin: germline.

Labcorp Genetics (formerly Invitae), Labcorp
Classification: Likely benign for Aortic aneurysm, familial thoracic 4. Last evaluated: 2024-10-22. Review status: criteria provided, single submitter. Criteria: Invitae Variant Classification Sherloc (09022015). Collection method: clinical testing. Allele origin: germline.

All of Us Research Program, National Institutes of Health
Classification: Likely benign for Familial thoracic aortic aneurysm and aortic dissection. Last evaluated: 2024-08-13. Review status: criteria provided, single submitter. Criteria: ACMG Guidelines, 2015. Collection method: clinical testing. Allele origin: germline. Inheritance: Autosomal dominant inheritance. Observed: 13 variant alleles, 13 heterozygotes.
Comment: This study involves interpretation of variants in research participants for the purpose of population health screening. Participant phenotype was not available at the time of variant classification. Additional details can be found in publication PMID: 35346344, PMCID: PMC8962531

Blueprint Genetics
Classification: Likely benign. Last evaluated: 2023-07-11. Review status: criteria provided, single submitter. Criteria: ACMG Guidelines, 2015. Collection method: clinical testing. Allele origin: germline.

Ambry Genetics
Classification: Likely benign for Familial thoracic aortic aneurysm and aortic dissection. Last evaluated: 2020-11-15. Review status: criteria provided, single submitter. Criteria: Ambry Variant Classification Scheme 2023. Collection method: clinical testing. Allele origin: germline.

Color Diagnostics, LLC DBA Color Health
Classification: Likely benign for Familial thoracic aortic aneurysm and aortic dissection. Last evaluated: 2019-04-01. Review status: criteria provided, single submitter. Criteria: ACMG Guidelines, 2015. Collection method: clinical testing. Allele origin: germline.